The following is an entry in ClinVar:

ClinVar aggregate classification (germline): Uncertain significance (1 of 4 stars; one submission).

Conditions:
ENHANCED S-CONE SYNDROME 1 (ESCS1). Also called: RETINOSCHISIS WITH EARLY HEMERALOPIA; FAVRE HYALOIDEORETINAL DEGENERATION. Identifiers: MedGen CN380299, OMIM 268100.

gnomAD v4.1: 10 of 1,612,720 alleles (0.00062%); highest among the groups gnomAD compares: Non-Finnish European, 0.00085%; no homozygotes.

Submission:

Myriad Genetics, Inc.
Classification: Uncertain significance for ENHANCED S-CONE SYNDROME 1. Last evaluated: 2025-07-22. Review status: criteria provided, single submitter. Criteria: Myriad Autosomal Dominant, Autosomal Recessive and X-Linked Classification Criteria (2023). Collection method: clinical testing. Allele origin: unknown.
Comment: NM_014249.2(NR2E3):c.1027G>A(E343K) is a missense variant classified as a variant of uncertain significance in the context of enhanced S-cone syndrome. E343K has been observed in a case with relevant disease (PMID: 38219857). Relevant functional assessments of this variant are not available in the literature. E343K has not been observed in referenced population frequency databases. In summary, there is insufficient evidence to classify NM_014249.2(NR2E3):c.1027G>A(E343K) as pathogenic or benign. Please note: this variant was assessed in the context of healthy population screening.

Literature cited by the submitters: PubMed 38219857.

NM_014249.4(NR2E3):c.1027G>A (p.Glu343Lys)

Gene: NR2E3 (nuclear receptor subfamily 2 group E member 3; plus strand). Cytogenetic location: 15q23.
Variant type: single nucleotide variant.
Coding change: c.1027G>A on transcript NM_014249.4 (MANE Select); coding-DNA position 1027, G replaced by A.
Protein change: p.Glu343Lys; replaces glutamic acid 343 with lysine.
Molecular consequence: missense variant.
Genome position (GRCh38, 1-based): chr15:71,814,044, G>A. VCF-style: chr15-71814044-G-A. GRCh37 (hg19) VCF-style: chr15-72106385-G-A.
Other names: c.1027G>A, p.Glu343Lys (NM_016346.4); short protein forms E343K.
Identifiers: ClinVar variation 5003508 (VCV005003508.1).
Genomic context (GRCh38, chr15:71,814,044, plus strand): 5'-TAAGCTCACTGGTGCTGCTTCTCCCCAGAGACGCGGGGCCTGAAGGATCCTGAGCACGTA[G>A]AGGCCTTGCAGGACCAGTCCCAAGTGATGCTGAGCCAGCACAGCAAGGCCCACCACCCCA-3'
Protein context (NP_055064.1, residues 333-353): TRGLKDPEHV[Glu343Lys]ALQDQSQVML